The following is an entry in ClinVar:

NM_015650.4(TRAF3IP1):c.123+12G>T

Genes: TRAF3IP1 (TRAF3 interacting protein 1; plus strand), LOC129935942 (ATAC-STARR-seq lymphoblastoid silent region 12496; plus strand). Cytogenetic location: 2q37.3.
Variant type: single nucleotide variant.
Coding change: c.123+12G>T on transcript NM_015650.4 (MANE Select); 12 bases into the intron after coding-DNA position 123, G replaced by T.
Molecular consequence: intron variant.
Genome position (GRCh38, 1-based): chr2:238,320,797, G>T. VCF-style: chr2-238320797-G-T. GRCh37 (hg19) VCF-style: chr2-239229438-G-T.
Other names: c.123+12G>T (NM_001139490.1).
Identifiers: ClinVar variation 4806011 (VCV004806011.1).

ClinVar aggregate classification (germline): Uncertain significance (1 of 4 stars; one submission).

gnomAD v4.1: 8 of 1,406,716 alleles (0.00057%); highest among the groups gnomAD compares: Non-Finnish European, 0.00066%; no homozygotes.

Submission:

Labcorp Genetics (formerly Invitae), Labcorp
Classification: Uncertain significance. Last evaluated: 2025-11-23. Review status: criteria provided, single submitter. Criteria: Invitae Variant Classification Sherloc (09022015). Collection method: clinical testing. Allele origin: germline.
Comment: This sequence change falls in intron 1 of the TRAF3IP1 gene. It does not directly change the encoded amino acid sequence of the TRAF3IP1 protein. The frequency data for this variant in the population databases is considered unreliable, as metrics indicate poor data quality at this position in the gnomAD database. This variant has not been reported in the literature in individuals affected with TRAF3IP1-related conditions. Algorithms developed to predict the effect of sequence changes on RNA splicing suggest that this variant may create or strengthen a splice site. In summary, the available evidence is currently insufficient to determine the role of this variant in disease. Therefore, it has been classified as a Variant of Uncertain Significance.